The following is an entry in ClinVar:

NM_030962.4(SBF2):c.4133G>A (p.Gly1378Glu)

Gene: SBF2 (SET binding factor 2; minus strand). Cytogenetic location: 11p15.4.
Variant type: single nucleotide variant.
Coding change: c.4133G>A on transcript NM_030962.4 (MANE Select); coding-DNA position 4133, G replaced by A.
Protein change: p.Gly1378Glu; replaces glycine 1378 with glutamic acid.
Molecular consequence: missense variant.
Genome position (GRCh38, 1-based): chr11:9,812,554, C>T on the plus strand (G>A on the coding strand, the complement: SBF2 is on the minus strand). VCF-style: chr11-9812554-C-T. GRCh37 (hg19) VCF-style: chr11-9834101-C-T.
Other names: c.4229G>A, p.Gly1410Glu (NM_001386339.1); c.4004G>A, p.Gly1335Glu (NM_001386342.1); short protein forms G1378E, G1335E, G1410E.
Identifiers: ClinVar variation 965827 (VCV000965827.10), dbSNP rs1854247198, ClinGen allele CA379642949.

ClinVar aggregate classification (germline): Uncertain significance (1 of 4 stars; one submission).

Conditions:
Charcot-Marie-Tooth disease type 4. Also called: Charcot-Marie-Tooth, Type 4; Charcot-Marie-Tooth disease, type IV. Identifiers: Orphanet 64749, MedGen C4082197, MONDO:0018995.

Submission:

Labcorp Genetics (formerly Invitae), Labcorp
Classification: Uncertain significance for Charcot-Marie-Tooth disease type 4. Last evaluated: 2019-10-04. Review status: criteria provided, single submitter. Criteria: Invitae Variant Classification Sherloc (09022015). Collection method: clinical testing. Allele origin: germline.
Comment: This sequence change replaces glycine with glutamic acid at codon 1378 of the SBF2 protein (p.Gly1378Glu). The glycine residue is moderately conserved and there is a moderate physicochemical difference between glycine and glutamic acid. This variant is not present in population databases (ExAC no frequency). This variant has not been reported in the literature in individuals with SBF2-related conditions. Algorithms developed to predict the effect of missense changes on protein structure and function output the following: SIFT: "Tolerated"; PolyPhen-2: "Benign"; Align-GVGD: "Class C0". The glutamic acid amino acid residue is found in multiple mammalian species, suggesting that this missense change does not adversely affect protein function. These predictions have not been confirmed by published functional studies and their clinical significance is uncertain. In summary, the available evidence is currently insufficient to determine the role of this variant in disease. Therefore, it has been classified as a Variant of Uncertain Significance.